The following is an entry in ClinVar:

NM_001046.3(SLC12A2):c.2887G>A (p.Asp963Asn)

Gene: SLC12A2 (solute carrier family 12 member 2; plus strand). Cytogenetic location: 5q23.3.
Variant type: single nucleotide variant.
Coding change: c.2887G>A on transcript NM_001046.3 (MANE Select); coding-DNA position 2887, G replaced by A.
Protein change: p.Asp963Asn; replaces aspartic acid 963 with asparagine.
Molecular consequence: missense variant. On other transcripts: non-coding transcript variant (1).
Genome position (GRCh38, 1-based): chr5:128,174,624, G>A. VCF-style: chr5-128174624-G-A. GRCh37 (hg19) VCF-style: chr5-127510316-G-A.
Other names: c.2887G>A, p.Asp963Asn (NM_001256461.2); short protein forms D963N.
Identifiers: ClinVar variation 3674726 (VCV003674726.2).
Genomic context (GRCh38, chr5:128,174,624, plus strand): 5'-AAATCTCCTGGCACCAAGGATGTGGTAGTAAGTGTGGAATATAGTAAAAAGTCCGATTTA[G>A]ATACTTCCAAACCACTCAGTGAAAAACCAATTACACACAAAGGTAATTTTCATTCAAACA-3'
Protein context (NP_001037.1, residues 953-973): SVEYSKKSDL[Asp963Asn]TSKPLSEKPI

ClinVar aggregate classification (germline): Uncertain significance (1 of 4 stars; one submission).

gnomAD v4.1: 5 of 1,609,010 alleles (0.00031%); highest among the groups gnomAD compares: Non-Finnish European, 0.00042%; no homozygotes.

Submission:

Labcorp Genetics (formerly Invitae), Labcorp
Classification: Uncertain significance. Last evaluated: 2024-10-02. Review status: criteria provided, single submitter. Criteria: Invitae Variant Classification Sherloc (09022015). Collection method: clinical testing. Allele origin: germline.
Comment: This sequence change replaces aspartic acid, which is acidic and polar, with asparagine, which is neutral and polar, at codon 963 of the SLC12A2 protein (p.Asp963Asn). This variant is not present in population databases (gnomAD no frequency). This variant has not been reported in the literature in individuals affected with SLC12A2-related conditions. Invitae Evidence Modeling of protein sequence and biophysical properties (such as structural, functional, and spatial information, amino acid conservation, physicochemical variation, residue mobility, and thermodynamic stability) indicates that this missense variant is not expected to disrupt SLC12A2 protein function with a negative predictive value of 95%. In summary, the available evidence is currently insufficient to determine the role of this variant in disease. Therefore, it has been classified as a Variant of Uncertain Significance.